The following is an entry in ClinVar:

ClinVar aggregate classification (germline): Uncertain significance. Review status: criteria provided, multiple submitters, no conflicts (2 of 4 stars). 3 submissions from 3 submitters: Uncertain significance (3). Last evaluated 2025-05-25.

Conditions:
Hereditary cancer-predisposing syndrome. Also called: Hereditary neoplastic syndrome; Neoplastic Syndromes, Hereditary; Hereditary Cancer Syndrome; Tumor predisposition. Identifiers: Orphanet 140162, MedGen C0027672, MeSH D009386, MONDO:0015356.
Endometrial carcinoma. Also called: Endometrial carcinoma, somatic. Identifiers: MedGen C0476089, MONDO:0002447, OMIM 608089, HP:0012114.

Submissions (3):

Ambry Genetics
Classification: Uncertain significance for Hereditary cancer-predisposing syndrome. Last evaluated: 2025-05-25. Review status: criteria provided, single submitter. Criteria: Ambry Variant Classification Scheme 2023. Collection method: clinical testing. Allele origin: germline.

Labcorp Genetics (formerly Invitae), Labcorp
Classification: Uncertain significance. Last evaluated: 2025-02-12. Review status: criteria provided, single submitter. Criteria: Invitae Variant Classification Sherloc (09022015). Collection method: clinical testing. Allele origin: germline.
Comment: This sequence change replaces lysine, which is basic and polar, with glutamic acid, which is acidic and polar, at codon 578 of the MSH3 protein (p.Lys578Glu). This variant is not present in population databases (gnomAD no frequency). This variant has not been reported in the literature in individuals affected with MSH3-related conditions. ClinVar contains an entry for this variant (Variation ID: 965992). An algorithm developed to predict the effect of missense changes on protein structure and function (PolyPhen-2) suggests that this variant is likely to be tolerated. In summary, the available evidence is currently insufficient to determine the role of this variant in disease. Therefore, it has been classified as a Variant of Uncertain Significance.

Baylor Genetics
Classification: Uncertain significance for Endometrial carcinoma. Last evaluated: 2023-06-22. Review status: criteria provided, single submitter. Criteria: ACMG Guidelines, 2015. Collection method: clinical testing. Allele origin: unknown.

NM_002439.5(MSH3):c.1732A>G (p.Lys578Glu)

Gene: MSH3 (mutS homolog 3; plus strand). Cytogenetic location: 5q14.1.
Variant type: single nucleotide variant.
Coding change: c.1732A>G on transcript NM_002439.5 (MANE Select); coding-DNA position 1732, A replaced by G.
Protein change: p.Lys578Glu; replaces lysine 578 with glutamic acid.
Molecular consequence: missense variant.
Genome position (GRCh38, 1-based): chr5:80,744,584, A>G. VCF-style: chr5-80744584-A-G. GRCh37 (hg19) VCF-style: chr5-80040403-A-G.
Other names: c.1732A>G (NM_002439.3); short protein forms K578E.
Identifiers: ClinVar variation 965992 (VCV000965992.12), dbSNP rs1743681215, ClinGen allele CA360274786.
Genomic context (GRCh38, chr5:80,744,584, plus strand): 5'-GGAAGTTTGCTGTGGGTTTTAGACCACACTAAAACTTCATTTGGGAGACGGAAGTTAAAG[A>G]AGTGGGTGACCCAGCCACTCCTTAAATTAAGGTAAAAGGAATTCTTTTTGGGGTGTTTAA-3'
Protein context (NP_002430.3, residues 568-588): KTSFGRRKLK[Lys578Glu]WVTQPLLKLR